The following is an entry in ClinVar:

ClinVar aggregate classification (germline): Uncertain significance. Review status: criteria provided, multiple submitters, no conflicts (2 of 4 stars). 2 submissions from 2 submitters: Uncertain significance (2). Last evaluated 2023-10-27.

Conditions:
RASopathy. Also called: Noonan spectrum disorder; rasopathies. Identifiers: Orphanet 536391, MedGen C5555857, MONDO:0021060.

gnomAD v4.1: 2 of 1,613,518 alleles (0.00012%); no homozygotes.

Submissions (2):

GeneDx
Classification: Uncertain significance. Last evaluated: 2023-10-27. Review status: criteria provided, single submitter. Criteria: GeneDx Variant Classification Process June 2021. Collection method: clinical testing. Allele origin: germline. Affected: yes.
Comment: Reported previously as a variant of uncertain significance in a fetus with increased nuchal translucency; parental segregation not specified (PMID: 30050098); Missense variants in this gene are a common cause of disease and they are underrepresented in the general population; In silico analysis supports that this missense variant has a deleterious effect on protein structure/function; Located in the histone folds domain (PMID: 29493581); This variant is associated with the following publications: (PMID: 29907801, 29493581, 30050098)

Labcorp Genetics (formerly Invitae), Labcorp
Classification: Uncertain significance for RASopathy. Last evaluated: 2023-10-14. Review status: criteria provided, single submitter. Criteria: Invitae Variant Classification Sherloc (09022015). Collection method: clinical testing. Allele origin: germline.
Comment: This sequence change replaces serine, which is neutral and polar, with arginine, which is basic and polar, at codon 66 of the SOS1 protein (p.Ser66Arg). This variant is not present in population databases (gnomAD no frequency). This missense change has been observed in individual(s) with increased nuchal translucency (PMID: 29907801). Advanced modeling of protein sequence and biophysical properties (such as structural, functional, and spatial information, amino acid conservation, physicochemical variation, residue mobility, and thermodynamic stability) has been performed at Invitae for this missense variant, however the output from this modeling did not meet the statistical confidence thresholds required to predict the impact of this variant on SOS1 protein function. In summary, the available evidence is currently insufficient to determine the role of this variant in disease. Therefore, it has been classified as a Variant of Uncertain Significance.

Literature cited by the submitters: PubMed 29907801 (cited by Labcorp Genetics (formerly Invitae), Labcorp).

NM_005633.4(SOS1):c.198T>G (p.Ser66Arg)

Gene: SOS1 (SOS Ras/Rac guanine nucleotide exchange factor 1; minus strand). Cytogenetic location: 2p22.1.
Variant type: single nucleotide variant.
Coding change: c.198T>G on transcript NM_005633.4 (MANE Select); coding-DNA position 198, T replaced by G.
Protein change: p.Ser66Arg; replaces serine 66 with arginine.
Molecular consequence: missense variant.
Genome position (GRCh38, 1-based): chr2:39,067,643, A>C on the plus strand (T>G on the coding strand, the complement: SOS1 is on the minus strand). VCF-style: chr2-39067643-A-C. GRCh37 (hg19) VCF-style: chr2-39294784-A-C.
Other names: c.177T>G, p.Ser59Arg (NM_001382394.1); c.198T>G, p.Ser66Arg (NM_001382395.1); short protein forms S59R, S66R.
Identifiers: ClinVar variation 2907314 (VCV002907314.4), dbSNP rs1221581719, ClinGen allele CA346374121.
Genomic context (GRCh38, chr2:39,067,643, plus strand): 5'-ACACAAATTAGATATAAAGTAAATACAAGACAACATTTGTCATACCTCTACATCTGAAGC[A>C]CTTCGGGGCTGAGCTTGGCATAGCATATTTAATAATTGCAAAATTAATTCTTCAACATAC-3'
Protein context (NP_005624.2, residues 56-76): LNMLCQAQPR[Ser66Arg]ASDVEERVQK